The following is an entry in ClinVar:

ClinVar aggregate classification (germline): Uncertain significance (1 of 4 stars; one submission).

Submission:

Labcorp Genetics (formerly Invitae), Labcorp
Classification: Uncertain significance. Last evaluated: 2023-06-20. Review status: criteria provided, single submitter. Criteria: Invitae Variant Classification Sherloc (09022015). Collection method: clinical testing. Allele origin: germline.
Comment: This sequence change replaces valine, which is neutral and non-polar, with glycine, which is neutral and non-polar, at codon 308 of the RINT1 protein (p.Val308Gly). In summary, the available evidence is currently insufficient to determine the role of this variant in disease. Therefore, it has been classified as a Variant of Uncertain Significance. Algorithms developed to predict the effect of sequence changes on RNA splicing suggest that this variant may disrupt the consensus splice site. An algorithm developed to predict the effect of missense changes on protein structure and function (PolyPhen-2) suggests that this variant is likely to be tolerated. This variant has not been reported in the literature in individuals affected with RINT1-related conditions. This variant is not present in population databases (gnomAD no frequency).

NM_021930.6(RINT1):c.923T>G (p.Val308Gly)

Gene: RINT1 (RAD50 interactor 1; plus strand). Cytogenetic location: 7q22.3.
Variant type: single nucleotide variant.
Coding change: c.923T>G on transcript NM_021930.6 (MANE Select); coding-DNA position 923, T replaced by G.
Protein change: p.Val308Gly; replaces valine 308 with glycine.
Molecular consequence: missense variant. On other transcripts: 5 prime UTR variant (2), non-coding transcript variant (1), intron variant (1).
Genome position (GRCh38, 1-based): chr7:105,548,637, T>G. VCF-style: chr7-105548637-T-G. GRCh37 (hg19) VCF-style: chr7-105189084-T-G.
Other names: c.689T>G, p.Val230Gly (NM_001346599.2); c.-97T>G (NM_001346600.2); c.-2T>G (NM_001346601.2); c.-27-1418T>G (NM_001346603.2); short protein forms V230G, V308G.
Identifiers: ClinVar variation 2979515 (VCV002979515.3), dbSNP rs2485127837, ClinGen allele CA368807989.
Genomic context (GRCh38, chr7:105,548,637, plus strand): 5'-AGCAACTCCCAGAAAAATACTCTCTTCCTGCCTCCCCTTCTGTCATCCTGCCCATCCAGG[T>G]TATGCTGACTCCTCTTCAGAAGAGGTTCAGGTATCACTTCAGAGGGAACCGGCAGACTAA-3'
Protein context (NP_068749.3, residues 298-318): ASPSVILPIQ[Val308Gly]MLTPLQKRFR